The following is an entry in ClinVar:

ClinVar aggregate classification (germline): Uncertain significance (1 of 4 stars; one submission).

Submission:

Labcorp Genetics (formerly Invitae), Labcorp
Classification: Uncertain significance. Last evaluated: 2023-10-10. Review status: criteria provided, single submitter. Criteria: Invitae Variant Classification Sherloc (09022015). Collection method: clinical testing. Allele origin: germline.
Comment: This variant, c.129_140del, results in the deletion of 4 amino acid(s) of the PPP2R5D protein (p.Pro44_Gln47del), but otherwise preserves the integrity of the reading frame. This variant is present in population databases (rs758020680, gnomAD 0.006%). This variant has not been reported in the literature in individuals affected with PPP2R5D-related conditions. Experimental studies and prediction algorithms are not available or were not evaluated, and the functional significance of this variant is currently unknown. Algorithms developed to predict the effect of sequence changes on RNA splicing suggest that this variant may disrupt the consensus splice site. In summary, the available evidence is currently insufficient to determine the role of this variant in disease. Therefore, it has been classified as a Variant of Uncertain Significance.

NM_006245.4(PPP2R5D):c.117GCCCCA[2] (p.38PQ[3])

Gene: PPP2R5D (protein phosphatase 2 regulatory subunit B'delta; plus strand). Cytogenetic location: 6p21.1.
Variant type: Microsatellite.
Coding change: c.117GCCCCA[2] on transcript NM_006245.4 (MANE Select); two copies in a row of the 6-base unit GCCCCA starting at c.117; the reference has four copies in a row; two copies, 12 bases deleted.
Protein change: p.38PQ[3].
Molecular consequence: inframe deletion. On other transcripts: 5 prime UTR variant (1), intron variant (1).
Genome position (GRCh38, 1-based): chr6:43,006,486-43,006,497, GCCCCAGCCCCA deleted; deleting any 12 consecutive bases within chr6:43,006,472-43,006,497 gives the same sequence; the position shown is the placement nearest the transcript's 3' end. VCF-style (leftmost placement, unchanged base first): chr6-43006471-GCAGCCCCAGCCC-G. GRCh37 (hg19) VCF-style: chr6-42974209-GCAGCCCCAGCCC-G.
Other names: c.-337GCCCCA[2] (NM_001270476.2); c.117GCCCCA[2], p.38PQ[3] (NM_180976.3); c.28-462CAGCCC[2] (NM_180977.3).
Identifiers: ClinVar variation 1898013 (VCV001898013.5), ClinGen allele CA3811752.